The following is an entry in ClinVar:

ClinVar aggregate classification (germline): Uncertain significance (1 of 4 stars; one submission).

gnomAD v4.1: 2 of 1,598,294 alleles (0.00013%); highest among the groups gnomAD compares: Non-Finnish European, 0.00017%; no homozygotes.

Submission:

Labcorp Genetics (formerly Invitae), Labcorp
Classification: Uncertain significance. Last evaluated: 2025-02-03. Review status: criteria provided, single submitter. Criteria: Invitae Variant Classification Sherloc (09022015). Collection method: clinical testing. Allele origin: germline.
Comment: This sequence change replaces threonine, which is neutral and polar, with alanine, which is neutral and non-polar, at codon 885 of the HMCN1 protein (p.Thr885Ala). This variant is not present in population databases (gnomAD no frequency). This variant has not been reported in the literature in individuals affected with HMCN1-related conditions. An algorithm developed to predict the effect of missense changes on protein structure and function (PolyPhen-2) suggests that this variant is likely to be disruptive. In summary, the available evidence is currently insufficient to determine the role of this variant in disease. Therefore, it has been classified as a Variant of Uncertain Significance.

NM_031935.3(HMCN1):c.2653A>G (p.Thr885Ala)

Gene: HMCN1 (hemicentin 1; plus strand). Cytogenetic location: 1q31.1.
Variant type: single nucleotide variant.
Coding change: c.2653A>G on transcript NM_031935.3 (MANE Select); coding-DNA position 2653, A replaced by G.
Protein change: p.Thr885Ala; replaces threonine 885 with alanine.
Molecular consequence: missense variant.
Genome position (GRCh38, 1-based): chr1:185,981,064, A>G. VCF-style: chr1-185981064-A-G. GRCh37 (hg19) VCF-style: chr1-185950196-A-G.
Other names: short protein forms T885A.
Identifiers: ClinVar variation 3677704 (VCV003677704.2).